The following is an entry in ClinVar:

NM_152296.5(ATP1A3):c.2637C>A (p.Asn879Lys)

Gene: ATP1A3 (ATPase Na+/K+ transporting subunit alpha 3; minus strand). Cytogenetic location: 19q13.2.
Variant type: single nucleotide variant.
Coding change: c.2637C>A on transcript NM_152296.5 (MANE Select); coding-DNA position 2637, C replaced by A.
Protein change: p.Asn879Lys; replaces asparagine 879 with lysine.
Molecular consequence: missense variant.
Genome position (GRCh38, 1-based): chr19:41,969,486, G>T on the plus strand (C>A on the coding strand, the complement: ATP1A3 is on the minus strand). VCF-style: chr19-41969486-G-T. GRCh37 (hg19) VCF-style: chr19-42473638-G-T.
Other names: c.2670C>A, p.Asn890Lys (NM_001256213.2); c.2676C>A, p.Asn892Lys (NM_001256214.2); short protein forms N879K, N890K, N892K.
Identifiers: ClinVar variation 3347526 (VCV003347526.1).
Genomic context (GRCh38, chr19:41,969,486, plus strand): 5'-CCTACTCACCCACTGCTGCCCGTAACTGTCTTCCAGGTCATTGACGGTGCGGTCATCCCA[G>T]TTCAGCCGGATGCCCACCAGGTTGCCGGGCAAGAAGCCATTTTCTGCCAGGATCACAAAG-3'
Protein context (NP_689509.1, residues 869-889): LPGNLVGIRL[Asn879Lys]WDDRTVNDLE

ClinVar aggregate classification (germline): Uncertain significance (0 of 4 stars; one submission).

Conditions:
ATP1A3-related disorder. Also called: ATP1A3-related condition; ATP1A3-related disorders. Identifiers: MedGen CN381097.

Submission:

PreventionGenetics, part of Exact Sciences
Classification: Uncertain significance for ATP1A3-related condition. Last evaluated: 2024-06-21. Review status: no assertion criteria provided. Collection method: clinical testing. Allele origin: germline.
Comment: The ATP1A3 c.2676C>A variant is predicted to result in the amino acid substitution p.Asn892Lys. To our knowledge, this variant has not been reported in the literature or in a large population database, indicating it is rare. ATP1A3 is constrained against missense variation in general, and this variant resides in a region that is especially constrained against missense variation (gnomAD). At this time, the clinical significance of this variant is uncertain due to the absence of conclusive functional and genetic evidence.